The following is an entry in ClinVar:

ClinVar aggregate classification (germline): Benign/Likely benign. Review status: criteria provided, multiple submitters, no conflicts (2 of 4 stars). 5 submissions from 5 submitters: Benign (1); Likely benign (4). Last evaluated 2025-04-30.

Conditions:
Hereditary nonpolyposis colorectal neoplasms. Identifiers: MedGen C0009405, MeSH D003123.
Hereditary cancer-predisposing syndrome. Also called: Tumor predisposition; Hereditary Cancer Syndrome; Hereditary neoplastic syndrome; Neoplastic Syndromes, Hereditary. Identifiers: Orphanet 140162, MedGen C0027672, MeSH D009386, MONDO:0015356.
Lynch syndrome. Identifiers: Orphanet 144, MedGen C4552100, MONDO:0005835. Disease mechanism: loss of function.
Lynch syndrome 5 (LYNCH5). Also called: Hereditary non-polyposis colorectal cancer, type 5; Colorectal cancer, hereditary nonpolyposis, type 5. Identifiers: Orphanet 144, MedGen C1833477, MONDO:0013710, OMIM 614350. Disease mechanism: loss of function.

Allele frequency attached by ClinVar (database versions not stated): gnomAD exomes below 0.00001.

Submissions (5):

Labcorp Genetics (formerly Invitae), Labcorp
Classification: Likely benign for Hereditary nonpolyposis colorectal neoplasms. Last evaluated: 2025-04-30. Review status: criteria provided, single submitter. Criteria: Invitae Variant Classification Sherloc (09022015). Collection method: clinical testing. Allele origin: germline.

Myriad Genetics, Inc.
Classification: Benign for Lynch syndrome 5. Last evaluated: 2025-01-03. Review status: criteria provided, single submitter. Criteria: Myriad Autosomal Dominant, Autosomal Recessive and X-Linked Classification Criteria (2023). Collection method: clinical testing. Allele origin: unknown.
Comment: This variant is considered benign. This variant is a silent/synonymous amino acid change and it is not expected to impact splicing.

All of Us Research Program, National Institutes of Health
Classification: Likely benign for Lynch syndrome. Last evaluated: 2023-08-15. Review status: criteria provided, single submitter. Criteria: ACMG Guidelines, 2015. Collection method: clinical testing. Allele origin: germline. Inheritance: Autosomal dominant inheritance. Observed: 3 variant alleles, 3 heterozygotes.
Comment: This study involves interpretation of variants in research participants for the purpose of population health screening. Participant phenotype was not available at the time of variant classification. Additional details can be found in publication PMID: 35346344, PMCID: PMC8962531

Color Diagnostics, LLC DBA Color Health
Classification: Likely benign for Hereditary cancer-predisposing syndrome. Last evaluated: 2022-11-06. Review status: criteria provided, single submitter. Criteria: ACMG Guidelines, 2015. Collection method: clinical testing. Allele origin: germline.

Ambry Genetics
Classification: Likely benign for Hereditary cancer-predisposing syndrome. Last evaluated: 2016-09-21. Review status: criteria provided, single submitter. Criteria: Ambry Variant Classification Scheme 2023. Collection method: clinical testing. Allele origin: germline.

NM_000179.3(MSH6):c.3165A>G (p.Ala1055=)

Gene: MSH6 (mutS homolog 6; plus strand). Cytogenetic location: 2p16.3.
Variant type: single nucleotide variant.
Coding change: c.3165A>G on transcript NM_000179.3 (MANE Select); coding-DNA position 3165, A replaced by G.
Protein change: p.Ala1055=; no amino-acid change (alanine 1055 retained).
Molecular consequence: synonymous variant.
Genome position (GRCh38, 1-based): chr2:47,801,148, A>G. VCF-style: chr2-47801148-A-G. GRCh37 (hg19) VCF-style: chr2-48028287-A-G.
Other names: c.2775A>G, p.Ala925= (NM_001281492.2); c.2259A>G, p.Ala753= (NM_001281493.2, NM_001281494.2).
Identifiers: ClinVar variation 485870 (VCV000485870.19), dbSNP rs1553414590, ClinGen allele CA426122059.
Genomic context (GRCh38, chr2:47,801,148, plus strand): 5'-ACTGTTCTATAACTTTGATAAAAATTACAAGGACTGGCAGTCTGCTGTAGAGTGTATCGC[A>G]GTGTTGGGTAAGACTTTGAACAAGCTTGTTCTCAGGCTTTGATAAGTAGTGCTGTTTGCC-3'
Protein context (NP_000170.1, residues 1045-1065): KDWQSAVECI[Ala1055=]VLDVLLCLAN